The following is an entry in ClinVar:

NM_018965.4(TREM2):c.507C>T (p.Pro169=)

Gene: TREM2 (triggering receptor expressed on myeloid cells 2; minus strand). Cytogenetic location: 6p21.1.
Variant type: single nucleotide variant.
Coding change: c.507C>T on transcript NM_018965.4 (MANE Select); coding-DNA position 507, C replaced by T.
Protein change: p.Pro169=; no amino-acid change (proline 169 retained).
Molecular consequence: synonymous variant. On other transcripts: intron variant (1).
Genome position (GRCh38, 1-based): chr6:41,159,042, G>A on the plus strand (C>T on the coding strand, the complement: TREM2 is on the minus strand). VCF-style: chr6-41159042-G-A. GRCh37 (hg19) VCF-style: chr6-41126780-G-A.
Other names: c.483-262C>T (NM_001271821.2).
Identifiers: ClinVar variation 1879660 (VCV001879660.29), dbSNP rs769493472, ClinGen allele CA3798848.

ClinVar aggregate classification (germline): Likely benign (1 of 4 stars; one submission).

Allele frequency attached by ClinVar (database versions not stated): ExAC 0.00001.

Submission:

CeGaT Center for Human Genetics Tuebingen
Classification: Likely benign. Last evaluated: 2022-11-01. Review status: criteria provided, single submitter. Criteria: CeGaT Center For Human Genetics Tuebingen Variant Classification Criteria Version 2. Collection method: clinical testing. Allele origin: germline. Affected: yes. Observed: 1 variant allele.
Comment: TREM2: BP4